The following is an entry in ClinVar:

ClinVar aggregate classification (germline): Uncertain significance. Review status: criteria provided, multiple submitters, no conflicts (2 of 4 stars). 3 submissions from 3 submitters: Uncertain significance (3). Last evaluated 2025-10-23.

Conditions:
Frontometaphyseal dysplasia (FMD1). Identifiers: Orphanet 1826, MedGen C0265293, MONDO:0015942.
Heterotopia, periventricular, X-linked dominant (PVNH1). Also called: PERIVENTRICULAR NODULAR HETEROTOPIA 1; X-linked periventricular heterotopia; PERIVENTRICULAR NODULAR HETEROTOPIA 4; HETEROTOPIA, PERIVENTRICULAR, 1. Identifiers: Orphanet 2149, Orphanet 82004, MedGen C1848213, MONDO:0010233, OMIM 300049.
Melnick-Needles syndrome (MNS). Also called: MELNICK-NEEDLES OSTEODYSPLASTY; OSTEODYSPLASTY OF MELNICK AND NEEDLES; Melnick-Needles Syndrome (FLNA-MNS). Identifiers: Orphanet 2484, MedGen C0025237, MONDO:0010650, OMIM 309350.
Oto-palato-digital syndrome, type II (OPD2). Also called: OPD II SYNDROME; FACIOPALATOOSSEOUS SYNDROME; Otopalatodigital Syndrome Type 2 (FLNA-OPD2); Otopalatodigital Syndrome, Type II. Identifiers: Orphanet 669, Orphanet 90652, MedGen C1844696, MONDO:0010571, OMIM 304120.

Submissions (3):

Mayo Clinic Laboratories, Mayo Clinic
Classification: Uncertain significance. Last evaluated: 2025-10-23. Review status: criteria provided, single submitter. Criteria: ACMG Guidelines, 2015. Collection method: clinical testing. Allele origin: germline. Observed: 1 variant allele.
Comment: PP2, PP3_strong, PM2_supporting

Labcorp Genetics (formerly Invitae), Labcorp
Classification: Uncertain significance for Oto-palato-digital syndrome, type II; Heterotopia, periventricular, X-linked dominant; Frontometaphyseal dysplasia; Melnick-Needles syndrome. Last evaluated: 2019-10-23. Review status: criteria provided, single submitter. Criteria: Invitae Variant Classification Sherloc (09022015). Collection method: clinical testing. Allele origin: germline.
Comment: Algorithms developed to predict the effect of missense changes on protein structure and function are either unavailable or do not agree on the potential impact of this missense change (SIFT: "Deleterious"; PolyPhen-2: "Probably Damaging"; Align-GVGD: "Class C0"). In summary, the available evidence is currently insufficient to determine the role of this variant in disease. Therefore, it has been classified as a Variant of Uncertain Significance. This variant has not been reported in the literature in individuals with FLNA-related conditions. This sequence change replaces proline with threonine at codon 448 of the FLNA protein (p.Pro448Thr). The proline residue is highly conserved and there is a small physicochemical difference between proline and threonine. This variant is not present in population databases (ExAC no frequency).

GeneDx
Classification: Uncertain significance. Last evaluated: 2019-09-11. Review status: criteria provided, single submitter. Criteria: GeneDx Variant Classification Process June 2021. Collection method: clinical testing. Allele origin: germline. Affected: yes.
Comment: Has not been previously published as pathogenic or benign to our knowledge; Not observed in large population cohorts (Lek et al., 2016); In silico analysis, which includes protein predictors and evolutionary conservation, supports a deleterious effect

Literature cited by the submitters: PubMed 30224736 (cited by Mayo Clinic Laboratories, Mayo Clinic).

NM_001110556.2(FLNA):c.1342C>A (p.Pro448Thr)

Gene: FLNA (filamin A; minus strand). Cytogenetic location: Xq28.
Variant type: single nucleotide variant.
Coding change: c.1342C>A on transcript NM_001110556.2 (MANE Select); coding-DNA position 1342, C replaced by A.
Protein change: p.Pro448Thr; replaces proline 448 with threonine.
Molecular consequence: missense variant.
Genome position (GRCh38, 1-based): chrX:154,366,111, G>T on the plus strand (C>A on the coding strand, the complement: FLNA is on the minus strand). VCF-style: chrX-154366111-G-T. GRCh37 (hg19) VCF-style: chrX-153594479-G-T.
Other names: p.Pro448Thr; c.1342C>A, p.Pro448Thr (NM_001456.4); short protein forms P448T.
Identifiers: ClinVar variation 934428 (VCV000934428.12), dbSNP rs2067757344, ClinGen allele CA415243781.
Genomic context (GRCh38, chrX:154,366,111, plus strand): 5'-TGCGAGGGATGGGCACGCCGGCAAACGTGACGTGCACGGTGTGGACGCCCTCCATGGTGG[G>T]CTGGTAGCTGCAGCGGTATGTGCTGTCGCCCCGGGCCTCCAGCTGAGGCTCTACCGTGCC-3'
Protein context (NP_001104026.1, residues 438-458): GDSTYRCSYQ[Pro448Thr]TMEGVHTVHV